The following is an entry in ClinVar:

NM_000368.5(TSC1):c.1549C>T (p.Arg517Trp)

Gene: TSC1 (TSC complex subunit 1; minus strand). Cytogenetic location: 9q34.13.
Variant type: single nucleotide variant.
Coding change: c.1549C>T on transcript NM_000368.5 (MANE Select); coding-DNA position 1549, C replaced by T.
Protein change: p.Arg517Trp; replaces arginine 517 with tryptophan.
Molecular consequence: missense variant.
Genome position (GRCh38, 1-based): chr9:132,906,029, G>A on the plus strand (C>T on the coding strand, the complement: TSC1 is on the minus strand). VCF-style: chr9-132906029-G-A. GRCh37 (hg19) VCF-style: chr9-135781416-G-A.
Other names: c.1546C>T, p.Arg516Trp (NM_001162426.2); c.1396C>T, p.Arg466Trp (NM_001162427.2); c.1186C>T, p.Arg396Trp (NM_001362177.2); short protein forms R466W, R517W, R396W, R516W.
Identifiers: ClinVar variation 702514 (VCV000702514.20), dbSNP rs1243886871, ClinGen allele CA375365139.

ClinVar aggregate classification (germline): Conflicting classifications of pathogenicity. Review status: criteria provided, conflicting classifications (1 of 4 stars). 5 submissions from 5 submitters: Uncertain significance (3); Likely benign (2). Last evaluated 2025-10-27.

Conditions:
Isolated focal cortical dysplasia type II (FCORD2). Also called: CORTICAL DYSPLASIA OF TAYLOR; Focal cortical dysplasia type II. Identifiers: Orphanet 268994, MedGen C1846385, MONDO:0011818, OMIM 607341, HP:0032051.
Hereditary cancer-predisposing syndrome. Also called: Tumor predisposition; Hereditary neoplastic syndrome; Neoplastic Syndromes, Hereditary; Hereditary Cancer Syndrome. Identifiers: Orphanet 140162, MedGen C0027672, MeSH D009386, MONDO:0015356.
Tuberous sclerosis 1 (TSC1). Identifiers: Orphanet 805, MedGen C1854465, MONDO:0008612, OMIM 191100.

Allele frequency attached by ClinVar (database versions not stated): gnomAD exomes below 0.00001.
gnomAD v4.1: 2 of 1,614,104 alleles (0.00012%); highest among the groups gnomAD compares: Middle Eastern, 0.017%; no homozygotes.

Submissions (5):

Labcorp Genetics (formerly Invitae), Labcorp
Classification: Likely benign for Tuberous sclerosis 1. Last evaluated: 2025-10-27. Review status: criteria provided, single submitter. Criteria: Invitae Variant Classification Sherloc (09022015). Collection method: clinical testing. Allele origin: germline.

GeneDx
Classification: Uncertain significance. Last evaluated: 2025-01-02. Review status: criteria provided, single submitter. Criteria: GeneDx Variant Classification Process June 2021. Collection method: clinical testing. Allele origin: germline. Affected: yes.
Comment: Identified in a patient with lymphangioleiomyomatosis who had another TSC1 variant on the same allele (in cis) in published literature; however, segregation information was not provided (PMID: 31856217); In silico analysis supports that this missense variant has a deleterious effect on protein structure/function; This variant is associated with the following publications: (PMID: 31856217)

Ambry Genetics
Classification: Uncertain significance for Hereditary cancer-predisposing syndrome. Last evaluated: 2024-05-24. Review status: criteria provided, single submitter. Criteria: Ambry Variant Classification Scheme 2023. Collection method: clinical testing. Allele origin: germline.
Comment: The p.R517W variant (also known as c.1549C>T), located in coding exon 13 of the TSC1 gene, results from a C to T substitution at nucleotide position 1549. The arginine at codon 517 is replaced by tryptophan, an amino acid with dissimilar properties. This amino acid position is not well conserved in available vertebrate species. In addition, the in silico prediction for this alteration is inconclusive. Since supporting evidence is limited at this time, the clinical significance of this alteration remains unclear.

Baylor Genetics
Classification: Uncertain significance for Isolated focal cortical dysplasia type II. Last evaluated: 2023-10-16. Review status: criteria provided, single submitter. Criteria: ACMG Guidelines, 2015. Collection method: clinical testing. Allele origin: unknown.

Genome-Nilou Lab
Classification: Likely benign for Tuberous sclerosis 1. Last evaluated: 2021-11-07. Review status: criteria provided, single submitter. Criteria: ACMG Guidelines, 2015. Collection method: clinical testing. Allele origin: germline. Affected: no.

Literature cited by the submitters: PubMed 31856217 (cited by Ambry Genetics).